The following is an entry in ClinVar:

NM_000937.5(POLR2A):c.2185C>T (p.Pro729Ser)

Gene: POLR2A (RNA polymerase II subunit A; plus strand). Cytogenetic location: 17p13.1.
Variant type: single nucleotide variant.
Coding change: c.2185C>T on transcript NM_000937.5 (MANE Select); coding-DNA position 2185, C replaced by T.
Protein change: p.Pro729Ser; replaces proline 729 with serine.
Molecular consequence: missense variant.
Genome position (GRCh38, 1-based): chr17:7,501,565, C>T. VCF-style: chr17-7501565-C-T. GRCh37 (hg19) VCF-style: chr17-7404884-C-T.
Other names: short protein forms P729S.
Identifiers: ClinVar variation 3369345 (VCV003369345.2).
Genomic context (GRCh38, chr17:7,501,565, plus strand): 5'-CACCGAGAACTCTGCCTCCAGGTCATCGAGAAGGCACACAACAATGAGCTGGAGCCCACC[C>T]CAGGGAACACTCTGCGGCAGACGTTTGAGAATCAGGTGAACCGCATTCTTAACGATGCCC-3'
Protein context (NP_000928.1, residues 719-739): KAHNNELEPT[Pro729Ser]GNTLRQTFEN

ClinVar aggregate classification (germline): Uncertain significance (1 of 4 stars; one submission).

Submission:

GeneDx
Classification: Uncertain significance. Last evaluated: 2026-06-05. Review status: criteria provided, single submitter. Criteria: GeneDx Variant Classification Process June 2021. Collection method: clinical testing. Allele origin: germline.
Comment: Not observed at significant frequency in large population cohorts (gnomAD); In silico analysis supports that this missense variant has a deleterious effect on protein structure/function; Has not been previously published as pathogenic or benign to our knowledge